The following is an entry in ClinVar:

NM_030773.4(TUBB1):c.1065C>A (p.Asp355Glu)

Gene: TUBB1 (tubulin beta 1 class VI; plus strand). Cytogenetic location: 20q13.32.
Variant type: single nucleotide variant.
Coding change: c.1065C>A on transcript NM_030773.4 (MANE Select); coding-DNA position 1065, C replaced by A.
Protein change: p.Asp355Glu; replaces aspartic acid 355 with glutamic acid.
Molecular consequence: missense variant.
Genome position (GRCh38, 1-based): chr20:59,024,492, C>A. VCF-style: chr20-59024492-C-A. GRCh37 (hg19) VCF-style: chr20-57599547-C-A.
Other names: short protein forms D355E.
Identifiers: ClinVar variation 2744813 (VCV002744813.3), dbSNP rs2091984693, ClinGen allele CA409468252.

ClinVar aggregate classification (germline): Uncertain significance (1 of 4 stars; one submission).

Submission:

Labcorp Genetics (formerly Invitae), Labcorp
Classification: Uncertain significance. Last evaluated: 2025-02-10. Review status: criteria provided, single submitter. Criteria: Invitae Variant Classification Sherloc (09022015). Collection method: clinical testing. Allele origin: germline.
Comment: This sequence change replaces aspartic acid, which is acidic and polar, with glutamic acid, which is acidic and polar, at codon 355 of the TUBB1 protein (p.Asp355Glu). This variant is not present in population databases (gnomAD no frequency). This variant has not been reported in the literature in individuals affected with TUBB1-related conditions. ClinVar contains an entry for this variant (Variation ID: 2744813). Invitae Evidence Modeling of protein sequence and biophysical properties (such as structural, functional, and spatial information, amino acid conservation, physicochemical variation, residue mobility, and thermodynamic stability) indicates that this missense variant is not expected to disrupt TUBB1 protein function with a negative predictive value of 80%. In summary, the available evidence is currently insufficient to determine the role of this variant in disease. Therefore, it has been classified as a Variant of Uncertain Significance.